The following is an entry in ClinVar:

ClinVar aggregate classification (germline): Uncertain significance. Review status: criteria provided, multiple submitters, no conflicts (2 of 4 stars). 2 submissions from 2 submitters: Uncertain significance (2). Last evaluated 2025-08-20.

Conditions:
Inborn genetic diseases. Identifiers: MedGen C0950123, MeSH D030342.

gnomAD v4.1: 2 of 1,613,824 alleles (0.00012%); highest among the groups gnomAD compares: Non-Finnish European, 0.00017%; no homozygotes.

Submissions (2):

Ambry Genetics
Classification: Uncertain significance for Inborn genetic diseases. Last evaluated: 2025-08-20. Review status: criteria provided, single submitter. Criteria: Ambry Variant Classification Scheme 2023. Collection method: clinical testing. Allele origin: germline.

GeneDx
Classification: Uncertain significance. Last evaluated: 2024-03-28. Review status: criteria provided, single submitter. Criteria: GeneDx Variant Classification Process June 2021. Collection method: clinical testing. Allele origin: germline. Affected: yes.
Comment: In silico analysis supports that this missense variant has a deleterious effect on protein structure/function; Not observed at significant frequency in large population cohorts (gnomAD); Has not been previously published as pathogenic or benign to our knowledge

NM_022370.4(ROBO3):c.1292G>A (p.Gly431Asp)

Gene: ROBO3 (roundabout guidance receptor 3; plus strand). Cytogenetic location: 11q24.2.
Variant type: single nucleotide variant.
Coding change: c.1292G>A on transcript NM_022370.4 (MANE Select); coding-DNA position 1292, G replaced by A.
Protein change: p.Gly431Asp; replaces glycine 431 with aspartic acid.
Molecular consequence: missense variant.
Genome position (GRCh38, 1-based): chr11:124,872,514, G>A. VCF-style: chr11-124872514-G-A. GRCh37 (hg19) VCF-style: chr11-124742410-G-A.
Other names: short protein forms G431D.
Identifiers: ClinVar variation 3371514 (VCV003371514.2).